The following is an entry in ClinVar:

ClinVar aggregate classification (germline): Uncertain significance (1 of 4 stars; one submission).

Conditions:
Developmental and epileptic encephalopathy, 30 (DEE30). Also called: Epileptic encephalopathy, early infantile, 30. Identifiers: MedGen C4225360, MONDO:0014595, OMIM 616341.

Submission:

Labcorp Genetics (formerly Invitae), Labcorp
Classification: Uncertain significance for Developmental and epileptic encephalopathy, 30. Last evaluated: 2022-07-21. Review status: criteria provided, single submitter. Criteria: Invitae Variant Classification Sherloc (09022015). Collection method: clinical testing. Allele origin: germline.
Comment: In summary, the available evidence is currently insufficient to determine the role of this variant in disease. Therefore, it has been classified as a Variant of Uncertain Significance. Algorithms developed to predict the effect of missense changes on protein structure and function (SIFT, PolyPhen-2, Align-GVGD) all suggest that this variant is likely to be disruptive. This variant has not been reported in the literature in individuals affected with SIK1-related conditions. The frequency data for this variant in the population databases is considered unreliable, as metrics indicate poor data quality at this position in the gnomAD database. This sequence change replaces arginine, which is basic and polar, with tryptophan, which is neutral and slightly polar, at codon 587 of the SIK1 protein (p.Arg587Trp).

NM_173354.5(SIK1):c.1759C>T (p.Arg587Trp)

Gene: SIK1 (salt inducible kinase 1; minus strand). Cytogenetic location: 21q22.3.
Variant type: single nucleotide variant.
Coding change: c.1759C>T on transcript NM_173354.5 (MANE Select); coding-DNA position 1759, C replaced by T.
Protein change: p.Arg587Trp; replaces arginine 587 with tryptophan.
Molecular consequence: missense variant.
Genome position (GRCh38, 1-based): chr21:43,417,760, G>A on the plus strand (C>T on the coding strand, the complement: SIK1 is on the minus strand). VCF-style: chr21-43417760-G-A. GRCh37 (hg19) VCF-style: chr21-44837640-G-A.
Other names: short protein forms R587W.
Identifiers: ClinVar variation 1722282 (VCV001722282.6), dbSNP rs1432461881, ClinGen allele CA410607356.
Genomic context (GRCh38, chr21:43,417,760, plus strand): 5'-CCTTGATTTTGTTCAGTCCCAGAAACCCTTTGGTCCGCGTGGTCTTCCTCAGCTGCTGCC[G>A]AAAGGCCTTCAGCCCTGCAGGGAGAATGAATCAGGAGGTCAACGGCCACCCGGCTCTCAG-3'
Protein context (NP_775490.2, residues 577-597): TSLTQGLKAF[Arg587Trp]QQLRKTTRTK